The following is an entry in ClinVar:

NM_177402.5(SYT2):c.145_147del (p.Glu49del)

Gene: SYT2 (synaptotagmin 2; minus strand). Cytogenetic location: 1q32.1.
Variant type: Deletion.
Coding change: c.145_147del on transcript NM_177402.5 (MANE Select); coding-DNA positions 145 to 147, 3 bases deleted (GAG; older notation c.145_147delGAG).
Protein change: p.Glu49del; deletes glutamic acid 49.
Molecular consequence: inframe deletion.
Genome position (GRCh38, 1-based): chr1:202,605,626-202,605,628, CTC deleted on the plus strand (GAG on the coding strand, the reverse complement: SYT2 is on the minus strand); deleting any 3 consecutive bases within chr1:202,605,626-202,605,630 gives the same sequence; the c. name uses the placement nearest the transcript's 3' end. VCF-style (leftmost placement, unchanged base first): chr1-202605625-TCTC-T. GRCh37 (hg19) VCF-style: chr1-202574753-TCTC-T.
Other names: p.Glu49del; c.145_147del, p.Glu49del (NM_001136504.1); short protein forms E49del.
Identifiers: ClinVar variation 2690215 (VCV002690215.5), dbSNP rs746725648, ClinGen allele CA1333860.
Genomic context (GRCh38, chr1:202,605,625, plus strand): 5'-CCCACCCTCTCAGCCACCAGAGACACTCACAGGGAATCTTGTTTATCTCATTGAATAACT[TCTC>T]CTTCAGTTTGGCAAACATGTCCTCCTGGCTCTCCCCAGCACCCCCACTCTCAGTGGAGTT-3'

ClinVar aggregate classification (germline): Uncertain significance. Review status: criteria provided, multiple submitters, no conflicts (2 of 4 stars). 3 submissions from 3 submitters: Uncertain significance (3). Last evaluated 2024-03-12.

Submissions (3):

Labcorp Genetics (formerly Invitae), Labcorp
Classification: Uncertain significance. Last evaluated: 2024-03-12. Review status: criteria provided, single submitter. Criteria: Invitae Variant Classification Sherloc (09022015). Collection method: clinical testing. Allele origin: germline.
Comment: This variant, c.145_147del, results in the deletion of 1 amino acid(s) of the SYT2 protein (p.Glu49del), but otherwise preserves the integrity of the reading frame. This variant is present in population databases (rs746725648, gnomAD 0.0009%). This variant has not been reported in the literature in individuals affected with SYT2-related conditions. Experimental studies and prediction algorithms are not available or were not evaluated, and the functional significance of this variant is currently unknown. In summary, the available evidence is currently insufficient to determine the role of this variant in disease. Therefore, it has been classified as a Variant of Uncertain Significance.

Mayo Clinic Laboratories, Mayo Clinic
Classification: Uncertain significance. Last evaluated: 2023-09-14. Review status: criteria provided, single submitter. Criteria: ACMG Guidelines, 2015. Collection method: clinical testing. Allele origin: germline. Observed: 1 variant allele.
Comment: PM4

Revvity Omics, Revvity
Classification: Uncertain significance. Last evaluated: 2023-06-08. Review status: criteria provided, single submitter. Criteria: ACMG Guidelines, 2015. Collection method: clinical testing. Allele origin: germline.